The following is an entry in ClinVar:

ClinVar aggregate classification (germline): Likely benign (0 of 4 stars; one submission).

Conditions:
EPHB2-related disorder. Also called: EPHB2-related condition.

Allele frequency attached by ClinVar (database versions not stated): ExAC 0.00003.
gnomAD v4.1: 36 of 1,265,718 alleles (0.0028%); highest among the groups gnomAD compares: Non-Finnish European, 0.0037%; no homozygotes.

Submission:

PreventionGenetics, part of Exact Sciences
Classification: Likely benign for EPHB2-related condition. Last evaluated: 2023-06-08. Review status: no assertion criteria provided. Collection method: clinical testing. Allele origin: germline.
Comment: This variant is classified as likely benign based on ACMG/AMP sequence variant interpretation guidelines (Richards et al. 2015 PMID: 25741868, with internal and published modifications).

NM_017449.5(EPHB2):c.968-7G>A

Gene: EPHB2 (EPH receptor B2; plus strand). Cytogenetic location: 1p36.12.
Variant type: single nucleotide variant.
Coding change: c.968-7G>A on transcript NM_017449.5 (MANE Select); 7 bases into the intron before coding-DNA position 968, G replaced by A.
Molecular consequence: intron variant.
Genome position (GRCh38, 1-based): chr1:22,864,870, G>A. VCF-style: chr1-22864870-G-A. GRCh37 (hg19) VCF-style: chr1-23191363-G-A.
Other names: c.968-7G>A (NM_004442.7, NM_001309193.2, NM_001309192.2).
Identifiers: ClinVar variation 3045801 (VCV003045801.2), dbSNP rs774519713, ClinGen allele CA678521.